The following is an entry in ClinVar:

ClinVar aggregate classification (germline): Uncertain significance (1 of 4 stars; one submission).

Submission:

GeneDx
Classification: Uncertain significance. Last evaluated: 2026-02-12. Review status: criteria provided, single submitter. Criteria: GeneDx Variant Classification Process June 2021. Collection method: clinical testing. Allele origin: germline.
Comment: Not observed at significant frequency in large population cohorts (gnomAD); In silico analysis suggests that this missense variant does not alter protein structure/function; Has not been previously published as pathogenic or benign to our knowledge

NM_005639.3(SYT1):c.970C>A (p.Leu324Met)

Gene: SYT1 (synaptotagmin 1; plus strand). Cytogenetic location: 12q21.2.
Variant type: single nucleotide variant.
Coding change: c.970C>A on transcript NM_005639.3 (MANE Select); coding-DNA position 970, C replaced by A.
Protein change: p.Leu324Met; replaces leucine 324 with methionine.
Molecular consequence: missense variant.
Genome position (GRCh38, 1-based): chr12:79,444,114, C>A. VCF-style: chr12-79444114-C-A. GRCh37 (hg19) VCF-style: chr12-79837894-C-A.
Other names: c.970C>A, p.Leu324Met (NM_001135805.2, NM_001135806.2, NM_001415938.1 and 2 more transcripts); c.961C>A, p.Leu321Met (NM_001291901.2, NM_001415941.1, NM_001415942.1 and 1 more transcripts); short protein forms L324M, L321M.
Identifiers: ClinVar variation 5008259 (VCV005008259.1).